The following is an entry in ClinVar:

NM_152564.5(VPS13B):c.11542G>C (p.Asp3848His)

Gene: VPS13B (vacuolar protein sorting 13 homolog B; plus strand). Cytogenetic location: 8q22.2.
Variant type: single nucleotide variant.
Coding change: c.11542G>C on transcript NM_152564.5 (MANE Select); coding-DNA position 11542, G replaced by C.
Protein change: p.Asp3848His; replaces aspartic acid 3848 with histidine.
Molecular consequence: missense variant.
Genome position (GRCh38, 1-based): chr8:99,871,494, G>C. VCF-style: chr8-99871494-G-C. GRCh37 (hg19) VCF-style: chr8-100883722-G-C.
Other names: c.11617G>C (NM_017890.3); c.11542G>C (NM_152564.4); c.11617G>C, p.Asp3873His (NM_017890.5); short protein forms D3848H, D3873H.
Identifiers: ClinVar variation 852431 (VCV000852431.10), dbSNP rs558917637, ClinGen allele CA4825276.
Genomic context (GRCh38, chr8:99,871,494, plus strand): 5'-CTCCTTTTAAACAGGAAAATGCTTCAGTCTCTGGGCAGACCAGAAGTCCACATGGCCCTG[G>C]ACGTGGTTCTGGTGAGGGGCTCAGGCCAGGAGCATGAAGGGTGCTTGCTGCTGACATCAG-3'
Protein context (NP_689777.3, residues 3838-3858): LGRPEVHMAL[Asp3848His]VVLVRGSGQE

ClinVar aggregate classification (germline): Uncertain significance. Review status: criteria provided, multiple submitters, no conflicts (2 of 4 stars). 5 submissions from 5 submitters: Uncertain significance (4). 1 of the submissions does not count toward it. Last evaluated 2025-04-07.

Conditions:
Inborn genetic diseases. Identifiers: MedGen C0950123, MeSH D030342.
Cohen syndrome (COH1). Also called: PEPPER SYNDROME; Cutis verticis gyrata, retinitis pigmentosa, and sensorineural deafness. Identifiers: Orphanet 193, MedGen C0265223, MONDO:0008999, OMIM 216550.
VPS13B-related disorder. Also called: VPS13B-related condition.

Allele frequency attached by ClinVar (database versions not stated): gnomAD 0.00001; gnomAD exomes 0.00007; ExAC 0.00009; 1000 Genomes Project 30x 0.00031; 1000 Genomes Project 0.00040.
gnomAD v4.1: 66 of 1,614,232 alleles (0.0041%); highest among the groups gnomAD compares: South Asian, 0.069%; 1 homozygote.

Submissions (5):

PreventionGenetics, part of Exact Sciences
Classification: Uncertain significance for VPS13B-related condition. Last evaluated: 2025-04-07. Review status: criteria provided, single submitter. Criteria: ACMG Guidelines, 2015. Collection method: clinical testing. Allele origin: germline.
Comment: The VPS13B c.11542G>C variant is predicted to result in the amino acid substitution p.Asp3848His. To our knowledge, this variant has not been reported in the literature. This variant is reported in 0.052% of alleles in individuals of South Asian descent in gnomAD, which is likely too common for an undocumented disease-causing variant. Although we suspect this variant may be benign, at this time, the clinical significance of this variant is uncertain due to the absence of conclusive functional and genetic evidence.

Ambry Genetics
Classification: Uncertain significance for Inborn genetic diseases. Last evaluated: 2025-03-07. Review status: criteria provided, single submitter. Criteria: Ambry Variant Classification Scheme 2023. Collection method: clinical testing. Allele origin: germline.

Labcorp Genetics (formerly Invitae), Labcorp
Classification: Uncertain significance for Cohen syndrome. Last evaluated: 2025-02-19. Review status: criteria provided, single submitter. Criteria: Invitae Variant Classification Sherloc (09022015). Collection method: clinical testing. Allele origin: germline.
Comment: This sequence change replaces aspartic acid, which is acidic and polar, with histidine, which is basic and polar, at codon 3873 of the VPS13B protein (p.Asp3873His). This variant is present in population databases (rs558917637, gnomAD 0.06%). This variant has not been reported in the literature in individuals affected with VPS13B-related conditions. ClinVar contains an entry for this variant (Variation ID: 852431). Invitae Evidence Modeling of protein sequence and biophysical properties (such as structural, functional, and spatial information, amino acid conservation, physicochemical variation, residue mobility, and thermodynamic stability) indicates that this missense variant is not expected to disrupt VPS13B protein function with a negative predictive value of 80%. In summary, the available evidence is currently insufficient to determine the role of this variant in disease. Therefore, it has been classified as a Variant of Uncertain Significance.

GeneDx
Classification: Uncertain significance. Last evaluated: 2024-11-12. Review status: criteria provided, single submitter. Criteria: GeneDx Variant Classification Process June 2021. Collection method: clinical testing. Allele origin: germline. Affected: yes.
Comment: In silico analysis indicates that this missense variant does not alter protein structure/function; Has not been previously published as pathogenic or benign to our knowledge

Natera, Inc.
Classification: Uncertain significance for Cohen syndrome. Last evaluated: 2020-02-26. Review status: no assertion criteria provided. Collection method: clinical testing. Allele origin: germline. Not counted in ClinVar's aggregate classification.